The following is an entry in ClinVar:

ClinVar aggregate classification (germline): Conflicting classifications of pathogenicity. Review status: criteria provided, conflicting classifications (1 of 4 stars). 5 submissions from 5 submitters: Pathogenic (1); Likely pathogenic (3); Uncertain significance (1). Last evaluated 2026-03-03.
ClinVar aggregate classification (somatic clinical impact): Tier II - Potential (1 of 4 stars; one submission).

Conditions:
NF1-related disorder. Also called: NF1-related condition. Identifiers: MedGen CN379171.
Neurofibromatosis, type 1 (NF1). Also called: VON RECKLINGHAUSEN DISEASE; Peripheral type neurofibromatosis; NEUROFIBROMATOSIS, TYPE I, SOMATIC; Neurofibromatosis, type I. Identifiers: Orphanet 636, MedGen C0027831, MONDO:0018975, OMIM 162200. Disease mechanism: loss of function.
Rosette-forming glioneuronal tumor. Identifiers: Orphanet 251975, MedGen C4331262, MONDO:0016736, HP:0025171.

Submissions (6):

Dasa
Classification: Likely pathogenic. Last evaluated: 2026-03-03. Review status: criteria provided, single submitter. Criteria: DASA Assertion Criteria. Collection method: clinical testing. Allele origin: germline.
Comment: NM_001042492.3(NF1):c.5552C>T (p.Pro1851Leu) is a missense variant that results in the substitution of proline with leucine. The affected residue or protein region has prior evidence supporting clinical relevance. This variant has been recurrently observed in individuals with NF1-related disorders (PMID: 24789688; PMID: 33911094). Also, this variant is rare in population databases. Computational evidence supports a deleterious effect. Based on the currently available evidence, this variant is classified as likely pathogenic.

Institute for Genomic Medicine (IGM) Clinical Laboratory, Nationwide Children's Hospital
Classification: Tier II - Potential for Rosette-forming glioneuronal tumor. Assertion type: diagnostic. Clinical significance: supports diagnosis. Last evaluated: 2025-03-28. Review status: criteria provided, single submitter. Criteria: AMP/ASCO/CAP Guidelines, 2017. Collection method: clinical testing. Allele origin: somatic. Affected: yes.
Comment: Variant has Tier II (potential) clinical significance as a diagnostic inclusion criterion in rosette-forming glioneuronal tumor of fourth ventricule, based on the following evidence: 1) Appears in one or more well-established professional guidelines (e.g., World Health Organization [WHO]; National Comprehensive Cancer Network [NCCN]) as providing diagnostic, prognostic, or therapeutic information. 2) Diagnostic significance based on multiple small studies (Evidence Level C; PMIDs: 31250151, 32859279, 35293634).

GeneDx
Classification: Uncertain significance. Last evaluated: 2024-06-07. Review status: criteria provided, single submitter. Criteria: GeneDx Variant Classification Process June 2021. Collection method: clinical testing. Allele origin: germline. Affected: yes.
Comment: Observed in individuals with a suspected or confirmed clinical diagnosis of neurofibromatosis type 1 (PMID: 33911094, 24789688); Not observed at significant frequency in large population cohorts (gnomAD); In silico analysis supports that this missense variant has a deleterious effect on protein structure/function; This variant is associated with the following publications: (PMID: 33911094, 24789688)

Blueprint Genetics
Classification: Likely pathogenic for NF1-related disorders. Last evaluated: 2022-09-05. Review status: criteria provided, single submitter. Criteria: ACMG Guidelines, 2015. Collection method: clinical testing. Allele origin: germline. Affected: yes. Observed: 1 variant allele.

Labcorp Genetics (formerly Invitae), Labcorp
Classification: Pathogenic for Neurofibromatosis, type 1. Last evaluated: 2022-08-09. Review status: criteria provided, single submitter. Criteria: Invitae Variant Classification Sherloc (09022015). Collection method: clinical testing. Allele origin: germline.
Comment: This sequence change replaces proline, which is neutral and non-polar, with leucine, which is neutral and non-polar, at codon 1830 of the NF1 protein (p.Pro1830Leu). This variant is not present in population databases (gnomAD no frequency). This missense change has been observed in individuals with clinical features of neurofibromatosis, type 1 (PMID: 24789688; external communication). ClinVar contains an entry for this variant (Variation ID: 449430). Advanced modeling of protein sequence and biophysical properties (such as structural, functional, and spatial information, amino acid conservation, physicochemical variation, residue mobility, and thermodynamic stability) performed at Invitae indicates that this missense variant is expected to disrupt NF1 protein function. This variant disrupts the p.Pro1830 amino acid residue in NF1. Other variant(s) that disrupt this residue have been determined to be pathogenic (Invitae). This suggests that this residue is clinically significant, and that variants that disrupt this residue are likely to be disease-causing. For these reasons, this variant has been classified as Pathogenic.

Genome Diagnostics Laboratory, The Hospital for Sick Children
Classification: Likely pathogenic for Neurofibromatosis, type 1. Last evaluated: 2020-10-26. Review status: criteria provided, single submitter. Criteria: ACMG Guidelines, 2015. Collection method: clinical testing. Allele origin: germline. Affected: yes.

Literature cited by the submitters: PubMed 24789688 (cited by Dasa and Labcorp Genetics (formerly Invitae), Labcorp); PubMed 33911094 (cited by Dasa); PubMed 31250151 (cited by Institute for Genomic Medicine (IGM) Clinical Laboratory, Nationwide Children's Hospital); PubMed 32859279 (cited by Institute for Genomic Medicine (IGM) Clinical Laboratory, Nationwide Children's Hospital); PubMed 35293634 (cited by Institute for Genomic Medicine (IGM) Clinical Laboratory, Nationwide Children's Hospital).

NM_001042492.3(NF1):c.5552C>T (p.Pro1851Leu)

Gene: NF1 (neurofibromin 1; plus strand). Cytogenetic location: 17q11.2.
Variant type: single nucleotide variant.
Coding change: c.5552C>T on transcript NM_001042492.3 (MANE Select); coding-DNA position 5552, C replaced by T.
Protein change: p.Pro1851Leu; replaces proline 1851 with leucine.
Molecular consequence: missense variant.
Genome position (GRCh38, 1-based): chr17:31,327,782, C>T. VCF-style: chr17-31327782-C-T. GRCh37 (hg19) VCF-style: chr17-29654800-C-T.
Other names: c.5489C>T, p.Pro1830Leu (NM_000267.4); short protein forms P1830L, P1851L.
Identifiers: ClinVar variation 449430 (VCV000449430.22), dbSNP rs1555533638, ClinGen allele CA399009882.
Genomic context (GRCh38, chr17:31,327,782, plus strand): 5'-GGGAACTGTCACAGCCCGACTCTATCCCCCAACACACCAAGATTCGGCCAAAAGATGTCC[C>T]TGGGACACTGCTCAATATCGCATTACTTAATTTAGGCAGTTCTGACCCGAGTTTACGGTA-3'
Protein context (NP_001035957.1, residues 1841-1861): QHTKIRPKDV[Pro1851Leu]GTLLNIALLN